The following is an entry in ClinVar:

NM_003743.5(NCOA1):c.1644del (p.Asn549fs)

Gene: NCOA1 (nuclear receptor coactivator 1; plus strand). Cytogenetic location: 2p23.3.
Variant type: Deletion.
Coding change: c.1644del on transcript NM_003743.5 (MANE Select); coding-DNA position 1644, one base deleted (C; older notation c.1644delC).
Protein change: p.Asn549fs; shifts the reading frame from asparagine 549.
Molecular consequence: frameshift variant.
Genome position (GRCh38, 1-based): chr2:24,707,114, C deleted; the last of 3 consecutive C bases (chr2:24,707,112-24,707,114); deleting any one gives the same sequence. VCF-style (leftmost placement, unchanged base first): chr2-24707111-AC-A. GRCh37 (hg19) VCF-style: chr2-24929980-AC-A.
Other names: c.1644del, p.Asn549fs (NM_001362950.1, NM_001362952.1, NM_001362954.1 and 3 more transcripts); short protein forms N549fs.
Identifiers: ClinVar variation 4997220 (VCV004997220.1).
Genomic context (GRCh38, chr2:24,707,111, plus strand): 5'-TAATAATAACCGATCTTATTCAAACATCCCAGTAACATCTTTACAGGGTATGAATGAAGG[AC>A]CCAATAACTCCGTTGGCTTCTCTGCCAGTTCTCCAGTCCTCAGGCAGATGAGCTCACAGA-3'

ClinVar aggregate classification (germline): Uncertain significance (1 of 4 stars; one submission).

Conditions:
NCOA1-related disorder. Also called: NCOA1-related condition.

Submission:

PreventionGenetics, part of Exact Sciences
Classification: Uncertain significance for NCOA1-related condition. Last evaluated: 2025-05-14. Review status: criteria provided, single submitter. Criteria: ACMG Guidelines, 2015. Collection method: clinical testing. Allele origin: germline.
Comment: The NCOA1 c.1644delC variant is predicted to result in a frameshift and premature protein termination (p.Asn549Ilefs*16). To our knowledge, this variant has not been reported in the literature or in a large population database (gnomAD), indicating this variant is rare. At this time, the clinical significance of this variant is uncertain due to the absence of conclusive functional and genetic evidence.